The following is an entry in ClinVar:

NM_207361.6(FREM2):c.2099C>A (p.Pro700His)

Gene: FREM2 (FRAS1 related extracellular matrix 2; plus strand). Cytogenetic location: 13q13.3.
Variant type: single nucleotide variant.
Coding change: c.2099C>A on transcript NM_207361.6 (MANE Select); coding-DNA position 2099, C replaced by A.
Protein change: p.Pro700His; replaces proline 700 with histidine.
Molecular consequence: missense variant.
Genome position (GRCh38, 1-based): chr13:38,689,443, C>A. VCF-style: chr13-38689443-C-A. GRCh37 (hg19) VCF-style: chr13-39263580-C-A.
Other names: short protein forms P700H.
Identifiers: ClinVar variation 2446168 (VCV002446168.1), dbSNP rs1323665933, ClinGen allele CA387888115.

ClinVar aggregate classification (germline): Uncertain significance (1 of 4 stars; one submission).

gnomAD v4.1: 1 of 1,614,084 alleles (0.000062%); highest among the groups gnomAD compares: Middle Eastern, 0.017%; no homozygotes.

Submission:

GeneDx
Classification: Uncertain significance. Last evaluated: 2022-09-27. Review status: criteria provided, single submitter. Criteria: GeneDx Variant Classification Process June 2021. Collection method: clinical testing. Allele origin: germline. Affected: yes.
Comment: Not observed at significant frequency in large population cohorts (gnomAD); In silico analysis supports that this missense variant has a deleterious effect on protein structure/function; Has not been previously published as pathogenic or benign to our knowledge